The following is an entry in ClinVar:

NM_007194.4(CHEK2):c.1008+4A>G

Gene: CHEK2 (checkpoint kinase 2; minus strand). Cytogenetic location: 22q12.1.
Variant type: single nucleotide variant.
Coding change: c.1008+4A>G on transcript NM_007194.4 (MANE Select); 4 bases into the intron after coding-DNA position 1008, A replaced by G.
Molecular consequence: intron variant.
Genome position (GRCh38, 1-based): chr22:28,699,834, T>C on the plus strand (A>G on the coding strand, the complement: CHEK2 is on the minus strand). VCF-style: chr22-28699834-T-C. GRCh37 (hg19) VCF-style: chr22-29095822-T-C.
Other names: c.345+4A>G (NM_001437942.1, NM_001257387.3); c.807+4A>G (NM_001349956.3); c.1008+4A>G (NM_145862.3); c.1101+4A>G (NM_001438295.1, NM_001438293.1); c.1137+4A>G (NM_001438294.1, NM_001005735.3).
Identifiers: ClinVar variation 921507 (VCV000921507.13), dbSNP rs2052755619, ClinGen allele CA1139666352.

ClinVar aggregate classification (germline): Uncertain significance. Review status: criteria provided, multiple submitters, no conflicts (2 of 4 stars). 3 submissions from 3 submitters: Uncertain significance (3). Last evaluated 2023-01-26.

Conditions:
Hereditary cancer-predisposing syndrome. Also called: Neoplastic Syndromes, Hereditary; Tumor predisposition; Hereditary Cancer Syndrome; Hereditary neoplastic syndrome. Identifiers: Orphanet 140162, MedGen C0027672, MeSH D009386, MONDO:0015356.
Familial cancer of breast. Also called: BREAST CANCER, FAMILIAL; hereditary breast carcinoma; Hereditary breast cancer. Identifiers: Orphanet 227535, MedGen C0346153, MONDO:0016419, OMIM 114480. Disease mechanism: loss of function.

Submissions (3):

Labcorp Genetics (formerly Invitae), Labcorp
Classification: Uncertain significance for Familial cancer of breast. Last evaluated: 2023-01-26. Review status: criteria provided, single submitter. Criteria: Invitae Variant Classification Sherloc (09022015). Collection method: clinical testing. Allele origin: germline.
Comment: This sequence change falls in intron 9 of the CHEK2 gene. It does not directly change the encoded amino acid sequence of the CHEK2 protein. It affects a nucleotide within the consensus splice site. This variant is not present in population databases (gnomAD no frequency). This variant has not been reported in the literature in individuals affected with CHEK2-related conditions. ClinVar contains an entry for this variant (Variation ID: 921507). Variants that disrupt the consensus splice site are a relatively common cause of aberrant splicing (PMID: 17576681, 9536098). Algorithms developed to predict the effect of sequence changes on RNA splicing suggest that this variant is not likely to affect RNA splicing. In summary, the available evidence is currently insufficient to determine the role of this variant in disease. Therefore, it has been classified as a Variant of Uncertain Significance.

Ambry Genetics
Classification: Uncertain significance for Hereditary cancer-predisposing syndrome. Last evaluated: 2021-08-26. Review status: criteria provided, single submitter. Criteria: Ambry Variant Classification Scheme 2023. Collection method: clinical testing. Allele origin: germline.
Comment: The c.1008+4A>G intronic variant results from an A to G substitution 4 nucleotides after coding exon 8 in the CHEK2 gene. This nucleotide position is well conserved in available vertebrate species. In silico splice site analysis predicts that this alteration will not have any significant effect on splicing. Since supporting evidence is limited at this time, the clinical significance of this alteration remains unclear.

Color Diagnostics, LLC DBA Color Health
Classification: Uncertain significance for Hereditary cancer-predisposing syndrome. Last evaluated: 2019-08-22. Review status: criteria provided, single submitter. Criteria: ACMG Guidelines, 2015. Collection method: clinical testing. Allele origin: germline.
Comment: This variant causes a A>G nucleotide substitution at the +4 position of intron 9 of the CHEK2 gene. To our knowledge, functional studies have not been performed for this variant. This variant has not been reported in individuals affected with hereditary cancer in the literature. This variant has not been identified in the general population by the Genome Aggregation Database (gnomAD). The available evidence is insufficient to determine the role of this variant in disease conclusively. Therefore, this variant is classified as a Variant of Uncertain Significance.

Literature cited by the submitters: PubMed 17576681 (cited by Labcorp Genetics (formerly Invitae), Labcorp); PubMed 9536098 (cited by Labcorp Genetics (formerly Invitae), Labcorp).